The following is an entry in ClinVar:

NM_001330078.2(NRXN1):c.3752G>C (p.Arg1251Thr)

Gene: NRXN1 (neurexin 1; minus strand). Cytogenetic location: 2p16.3.
Variant type: single nucleotide variant.
Coding change: c.3752G>C on transcript NM_001330078.2 (MANE Select); coding-DNA position 3752, G replaced by C.
Protein change: p.Arg1251Thr; replaces arginine 1251 with threonine.
Molecular consequence: missense variant. On other transcripts: intron variant (8).
Genome position (GRCh38, 1-based): chr2:50,055,011, C>G on the plus strand (G>C on the coding strand, the complement: NRXN1 is on the minus strand). VCF-style: chr2-50055011-C-G. GRCh37 (hg19) VCF-style: chr2-50282149-C-G.
Other names: c.3872G>C, p.Arg1291Thr (NM_001135659.3); c.3728G>C, p.Arg1243Thr (NM_001330077.2, NM_001330082.2); c.3686G>C, p.Arg1229Thr (NM_001330084.2); c.3725G>C, p.Arg1242Thr (NM_001330085.2); c.3752G>C, p.Arg1251Thr (NM_001330086.2); c.647G>C, p.Arg216Thr (NM_001330091.2, NM_001330092.2); c.3749G>C, p.Arg1250Thr (NM_001330093.2); c.3740G>C, p.Arg1247Thr (NM_001330094.2); and 6 more; short protein forms R1243T, R1250T, R1291T, R1229T, R1247T, R1251T, R216T, R1242T.
Identifiers: ClinVar variation 2771849 (VCV002771849.3), dbSNP rs2467659317, ClinGen allele CA346820145.

ClinVar aggregate classification (germline): Uncertain significance (1 of 4 stars; one submission).

Conditions:
Pitt-Hopkins-like syndrome 2 (PTHSL2). Identifiers: Orphanet 221150, Orphanet 600663, MedGen C3280479, MONDO:0013690, OMIM 614325.

Submission:

Labcorp Genetics (formerly Invitae), Labcorp
Classification: Uncertain significance for Pitt-Hopkins-like syndrome 2. Last evaluated: 2023-11-06. Review status: criteria provided, single submitter. Criteria: Invitae Variant Classification Sherloc (09022015). Collection method: clinical testing. Allele origin: germline.
Comment: This sequence change replaces arginine, which is basic and polar, with threonine, which is neutral and polar, at codon 1291 of the NRXN1 protein (p.Arg1291Thr). This variant is not present in population databases (gnomAD no frequency). This variant has not been reported in the literature in individuals affected with NRXN1-related conditions. An algorithm developed to predict the effect of missense changes on protein structure and function (PolyPhen-2) suggests that this variant is likely to be disruptive. In summary, the available evidence is currently insufficient to determine the role of this variant in disease. Therefore, it has been classified as a Variant of Uncertain Significance.